The following is an entry in ClinVar:

NM_006073.4(TRDN):c.561G>C (p.Lys187Asn)

Gene: TRDN (triadin; minus strand). Cytogenetic location: 6q22.31.
Variant type: single nucleotide variant.
Coding change: c.561G>C on transcript NM_006073.4 (MANE Select); coding-DNA position 561, G replaced by C.
Protein change: p.Lys187Asn; replaces lysine 187 with asparagine.
Molecular consequence: missense variant.
Genome position (GRCh38, 1-based): chr6:123,512,352, C>G on the plus strand (G>C on the coding strand, the complement: TRDN is on the minus strand). VCF-style: chr6-123512352-C-G. GRCh37 (hg19) VCF-style: chr6-123833497-C-G.
Other names: c.561G>C, p.Lys187Asn (NM_001251987.2, NM_001256020.2, NM_001256021.2 and 1 more transcripts); short protein forms K187N.
Identifiers: ClinVar variation 4773035 (VCV004773035.1).

ClinVar aggregate classification (germline): Uncertain significance (1 of 4 stars; one submission).

Conditions:
Catecholaminergic polymorphic ventricular tachycardia 1. Also called: VENTRICULAR TACHYCARDIA, STRESS-INDUCED POLYMORPHIC 1; RYR2-Related Catecholaminergic Polymorphic Ventricular Tachycardia; VENTRICULAR TACHYCARDIA, CATECHOLAMINERGIC POLYMORPHIC, 1, WITH OR WITHOUT ATRIAL DYSFUNCTION AND/OR DILATED CARDIOMYOPATHY. Identifiers: Orphanet 3286, MedGen C1631597, MONDO:0011484, OMIM 604772.

gnomAD v4.1: 1 of 1,501,496 alleles (0.000067%); highest among the groups gnomAD compares: Non-Finnish European, 0.000091%; no homozygotes.

Submission:

Labcorp Genetics (formerly Invitae), Labcorp
Classification: Uncertain significance for Catecholaminergic polymorphic ventricular tachycardia 1. Last evaluated: 2025-11-30. Review status: criteria provided, single submitter. Criteria: Invitae Variant Classification Sherloc (09022015). Collection method: clinical testing. Allele origin: germline.
Comment: This sequence change replaces lysine, which is basic and polar, with asparagine, which is neutral and polar, at codon 187 of the TRDN protein (p.Lys187Asn). This variant is not present in population databases (gnomAD no frequency). This variant has not been reported in the literature in individuals affected with TRDN-related conditions. Invitae Evidence Modeling of protein sequence and biophysical properties (such as structural, functional, and spatial information, amino acid conservation, physicochemical variation, residue mobility, and thermodynamic stability) indicates that this missense variant is not expected to disrupt TRDN protein function with a negative predictive value of 80%. In summary, the available evidence is currently insufficient to determine the role of this variant in disease. Therefore, it has been classified as a Variant of Uncertain Significance.